The following is an entry in ClinVar:

ClinVar aggregate classification (germline): Uncertain significance (1 of 4 stars; one submission).

Conditions:
Autosomal recessive limb-girdle muscular dystrophy type 2P. Also called: MUSCULAR DYSTROPHY-DYSTROGLYCANOPATHY, LIMB-GIRDLE, DAG1-RELATED; Limb-Girdle Muscular Dystrophy Type 9C; MUSCULAR DYSTROPHY, LIMB-GIRDLE, TYPE 2P. Identifiers: Orphanet 280333, MedGen C4511963, MONDO:0013440, OMIM 613818.
Muscular dystrophy-dystroglycanopathy (congenital with brain and eye anomalies), type A9. Also called: Muscular dystrophy-dystroglycanopathy (congenital with brain and eye anomalies), type a, 9; WALKER-WARBURG SYNDROME OR MUSCLE-EYE BRAIN DISEASE, DAG1-RELATED. Identifiers: Orphanet 370997, Orphanet 899, MedGen C4225291, MONDO:0014683, OMIM 616538.

Allele frequency attached by ClinVar (database versions not stated): gnomAD exomes 0.00001.
gnomAD v4.1: 8 of 1,614,138 alleles (0.0005%); highest among the groups gnomAD compares: Non-Finnish European, 0.00068%; no homozygotes.

Submission:

Labcorp Genetics (formerly Invitae), Labcorp
Classification: Uncertain significance for Autosomal recessive limb-girdle muscular dystrophy type 2P; Muscular dystrophy-dystroglycanopathy (congenital with brain and eye anomalies), type A9. Last evaluated: 2020-02-19. Review status: criteria provided, single submitter. Criteria: Invitae Variant Classification Sherloc (09022015). Collection method: clinical testing. Allele origin: germline.
Comment: This sequence change replaces lysine with glutamic acid at codon 261 of the DAG1 protein (p.Lys261Glu). The lysine residue is moderately conserved and there is a small physicochemical difference between lysine and glutamic acid. This variant is not present in population databases (ExAC no frequency). This variant has not been reported in the literature in individuals with DAG1-related conditions. Algorithms developed to predict the effect of missense changes on protein structure and function (SIFT, PolyPhen-2, Align-GVGD) all suggest that this variant is likely to be tolerated, but these predictions have not been confirmed by published functional studies and their clinical significance is uncertain. In summary, the available evidence is currently insufficient to determine the role of this variant in disease. Therefore, it has been classified as a Variant of Uncertain Significance.

NM_004393.6(DAG1):c.781A>G (p.Lys261Glu)

Gene: DAG1 (dystroglycan 1; plus strand). Cytogenetic location: 3p21.31.
Variant type: single nucleotide variant.
Coding change: c.781A>G on transcript NM_004393.6 (MANE Select); coding-DNA position 781, A replaced by G.
Protein change: p.Lys261Glu; replaces lysine 261 with glutamic acid.
Molecular consequence: missense variant.
Genome position (GRCh38, 1-based): chr3:49,531,292, A>G. VCF-style: chr3-49531292-A-G. GRCh37 (hg19) VCF-style: chr3-49568725-A-G.
Other names: c.781A>G, p.Lys261Glu (NM_001165928.4, NM_001177634.3, NM_001177635.3 and 9 more transcripts); short protein forms K261E.
Identifiers: ClinVar variation 1050944 (VCV001050944.5), dbSNP rs2107928548, ClinGen allele CA352794066.